The following is an entry in ClinVar:

ClinVar aggregate classification (germline): Uncertain significance. Review status: criteria provided, multiple submitters, no conflicts (2 of 4 stars). 2 submissions from 2 submitters: Uncertain significance (2). Last evaluated 2023-12-18.

Allele frequency attached by ClinVar (database versions not stated): gnomAD 0.00001; gnomAD exomes 0.00001 and below 0.00001; TOPMed 0.00001; ExAC 0.00001.
gnomAD v4.1: 3 of 1,609,600 alleles (0.00019%); highest among the groups gnomAD compares: East Asian, 0.0045%; no homozygotes.

Submissions (2):

Ambry Genetics
Classification: Uncertain significance. Last evaluated: 2023-12-18. Review status: criteria provided, single submitter. Criteria: Ambry Variant Classification Scheme 2023. Collection method: clinical testing. Allele origin: germline.
Comment: Does not currently meet published gene-disease clinical validity criteria Based on insufficient or conflicting evidence, the clinical significance of this alteration remains unclear.

Labcorp Genetics (formerly Invitae), Labcorp
Classification: Uncertain significance. Last evaluated: 2021-05-31. Review status: criteria provided, single submitter. Criteria: Invitae Variant Classification Sherloc (09022015). Collection method: clinical testing. Allele origin: germline.
Comment: In summary, the available evidence is currently insufficient to determine the role of this variant in disease. Therefore, it has been classified as a Variant of Uncertain Significance. Algorithms developed to predict the effect of missense changes on protein structure and function (SIFT, PolyPhen-2, Align-GVGD) all suggest that this variant is likely to be tolerated, but these predictions have not been confirmed by published functional studies and their clinical significance is uncertain. This variant has not been reported in the literature in individuals with CREB3L3-related conditions. This variant is present in population databases (rs768375460, ExAC 0.01%). This sequence change replaces tryptophan with arginine at codon 46 of the CREB3L3 protein (p.Trp46Arg). The tryptophan residue is moderately conserved and there is a moderate physicochemical difference between tryptophan and arginine.

Literature cited by the submitters: PubMed 28106320 (cited by Ambry Genetics).

NM_032607.3(CREB3L3):c.136T>C (p.Trp46Arg)

Gene: CREB3L3 (cAMP responsive element binding protein 3 like 3; plus strand). Cytogenetic location: 19p13.3.
Variant type: single nucleotide variant.
Coding change: c.136T>C on transcript NM_032607.3 (MANE Select); coding-DNA position 136, T replaced by C.
Protein change: p.Trp46Arg; replaces tryptophan 46 with arginine.
Molecular consequence: missense variant.
Genome position (GRCh38, 1-based): chr19:4,155,007, T>C. VCF-style: chr19-4155007-T-C. GRCh37 (hg19) VCF-style: chr19-4155004-T-C.
Other names: c.136T>C (NM_032607.1); c.136T>C, p.Trp46Arg (NM_001271995.2, NM_001271996.2, NM_001271997.2); short protein forms W46R.
Identifiers: ClinVar variation 1468365 (VCV001468365.9), dbSNP rs768375460, ClinGen allele CA9091208.
Genomic context (GRCh38, chr19:4,155,007, plus strand): 5'-CTGGATCTCCTGTTTGACCGGCAGGACGGCATCCTGAGACACGTGGAGCTGGGCGAGGGC[T>C]GGGGTCACGTCAAGGACCAGGTGAGGAGTCCACTGCAGTTGCCCCGGGACCACAGAGCTC-3'
Protein context (NP_115996.1, residues 36-56): ILRHVELGEG[Trp46Arg]GHVKDQQVLP